The following is an entry in ClinVar:

NM_001104631.2(PDE4D):c.*2336T>G

Gene: PDE4D (phosphodiesterase 4D; minus strand). Cytogenetic location: 5q11.2.
Variant type: single nucleotide variant.
Coding change: c.*2336T>G on transcript NM_001104631.2 (MANE Select); 2336 bases downstream of the stop codon, T replaced by G.
Molecular consequence: 3 prime UTR variant.
Genome position (GRCh38, 1-based): chr5:58,972,328, A>C on the plus strand (T>G on the coding strand, the complement: PDE4D is on the minus strand). VCF-style: chr5-58972328-A-C. GRCh37 (hg19) VCF-style: chr5-58268155-A-C.
Other names: c.*2336T>G (NM_001165899.2, NM_001197218.2, NM_001197219.2 and 11 more transcripts).
Identifiers: ClinVar variation 907512 (VCV000907512.4), dbSNP rs548172452, ClinGen allele CA118781731.

ClinVar aggregate classification (germline): Benign (1 of 4 stars; one submission).

Conditions:
Acrodysostosis 2 with or without hormone resistance. Also called: ACRODYSOSTOSIS 2 WITH HORMONE RESISTANCE; ACRODYSOSTOSIS 2 WITHOUT HORMONE RESISTANCE. Identifiers: Orphanet 280651, MedGen C3553250, MONDO:0013822, OMIM 614613.

Allele frequency attached by ClinVar (database versions not stated): 1000 Genomes Project 0.00040; 1000 Genomes Project 30x 0.00078; TOPMed 0.00110; gnomAD 0.00115 and 0.00120.

Submission:

Illumina Laboratory Services, Illumina
Classification: Benign for Acrodysostosis 2 with or without hormone resistance. Last evaluated: 2018-01-13. Review status: criteria provided, single submitter. Criteria: ICSL Variant Classification Criteria 13 December 2019. Collection method: clinical testing. Allele origin: germline.
Comment: This variant was observed in the ICSL laboratory as part of a predisposition screen in an ostensibly healthy population. It had not been previously curated by ICSL or reported in the Human Gene Mutation Database (HGMD: prior to June 1st, 2018), and was therefore a candidate for classification through an automated scoring system. Utilizing variant allele frequency, disease prevalence and penetrance estimates, and inheritance mode, an automated score was calculated to assess if this variant is too frequent to cause the disease. Based on the score and internal cut-off values, a variant classified as benign is not then subjected to further curation. The score for this variant resulted in a classification of benign for this disease.